The following is an entry in ClinVar:

NM_001352514.2(HLCS):c.1083T>A (p.Cys361Ter)

Gene: HLCS (holocarboxylase synthetase; minus strand). Cytogenetic location: 21q22.13.
Variant type: single nucleotide variant.
Coding change: c.1083T>A on transcript NM_001352514.2 (MANE Select); coding-DNA position 1083, T replaced by A.
Protein change: p.Cys361Ter; replaces cysteine 361 with a stop codon.
Molecular consequence: nonsense. On other transcripts: non-coding transcript variant (2).
Genome position (GRCh38, 1-based): chr21:36,936,803, A>T on the plus strand (T>A on the coding strand, the complement: HLCS is on the minus strand). VCF-style: chr21-36936803-A-T. GRCh37 (hg19) VCF-style: chr21-38309103-A-T.
Other names: c.642T>A (NM_000411.7); c.642T>A, p.Cys214Ter (NM_000411.8, NM_001242784.3, NM_001242785.2 and 4 more transcripts); short protein forms C361*, C214*.
Identifiers: ClinVar variation 1914425 (VCV001914425.7), dbSNP rs568871363, ClinGen allele CA409912609.

ClinVar aggregate classification (germline): Pathogenic/Likely pathogenic. Review status: criteria provided, multiple submitters, no conflicts (2 of 4 stars). 3 submissions from 3 submitters: Pathogenic (1); Likely pathogenic (2). Last evaluated 2026-01-07.

Conditions:
Holocarboxylase synthetase deficiency. Also called: MULTIPLE CARBOXYLASE DEFICIENCY, EARLY ONSET. Identifiers: Orphanet 79242, MedGen C0268581, MONDO:0009666, OMIM 253270.

gnomAD v4.1: 4 of 1,614,182 alleles (0.00025%); highest among the groups gnomAD compares: Admixed American, 0.0067%; no homozygotes.

Submissions (3):

Natera, Inc.
Classification: Likely pathogenic for Holocarboxylase synthetase deficiency. Last evaluated: 2026-01-07. Review status: criteria provided, single submitter. Criteria: Natera Variant Classification Schema (03/2026). Collection method: clinical testing. Allele origin: germline.
Comment: The c.642T>A variant in HLCS is a nonsense variant predicted to introduce a stop codon at amino acid 214. This variant is expected to result in nonsense mediated decay, truncation, or a dysfunctional protein product. This variant is rare in the general population with a frequency below the threshold expected for the associated phenotype(s). Given the available evidence, this variant is classified as Likely Pathogenic.

Labcorp Genetics (formerly Invitae), Labcorp
Classification: Pathogenic for Holocarboxylase synthetase deficiency. Last evaluated: 2024-09-23. Review status: criteria provided, single submitter. Criteria: Invitae Variant Classification Sherloc (09022015). Collection method: clinical testing. Allele origin: germline.
Comment: This sequence change creates a premature translational stop signal (p.Cys214*) in the HLCS gene. It is expected to result in an absent or disrupted protein product. Loss-of-function variants in HLCS are known to be pathogenic (PMID: 16134170). This variant is present in population databases (no rsID available, gnomAD 0.01%). This variant has not been reported in the literature in individuals affected with HLCS-related conditions. ClinVar contains an entry for this variant (Variation ID: 1914425). For these reasons, this variant has been classified as Pathogenic.

Baylor Genetics
Classification: Likely pathogenic for Holocarboxylase synthetase deficiency. Last evaluated: 2022-07-23. Review status: criteria provided, single submitter. Criteria: ACMG Guidelines, 2015. Collection method: clinical testing. Allele origin: unknown.

Literature cited by the submitters: PubMed 16134170 (cited by Labcorp Genetics (formerly Invitae), Labcorp).